The following is an entry in ClinVar:

ClinVar aggregate classification (germline): Uncertain significance (1 of 4 stars; one submission).

Allele frequency attached by ClinVar (database versions not stated): gnomAD 0.00001.
gnomAD v4.1: 1 of 1,613,860 alleles (0.000062%); highest among the groups gnomAD compares: Non-Finnish European, 0.000085%; no homozygotes.

Submission:

Labcorp Genetics (formerly Invitae), Labcorp
Classification: Uncertain significance. Last evaluated: 2022-12-20. Review status: criteria provided, single submitter. Criteria: Invitae Variant Classification Sherloc (09022015). Collection method: clinical testing. Allele origin: germline.
Comment: This sequence change replaces tyrosine, which is neutral and polar, with histidine, which is basic and polar, at codon 270 of the FH protein (p.Tyr270His). This variant is present in population databases (no rsID available, gnomAD 0.007%). In summary, the available evidence is currently insufficient to determine the role of this variant in disease. Therefore, it has been classified as a Variant of Uncertain Significance. Advanced modeling of protein sequence and biophysical properties (such as structural, functional, and spatial information, amino acid conservation, physicochemical variation, residue mobility, and thermodynamic stability) has been performed at Invitae for this missense variant, however the output from this modeling did not meet the statistical confidence thresholds required to predict the impact of this variant on FH protein function. This variant has not been reported in the literature in individuals affected with FH-related conditions.

NM_000143.4(FH):c.808T>C (p.Tyr270His)

Gene: FH (fumarate hydratase; minus strand). Cytogenetic location: 1q43.
Variant type: single nucleotide variant.
Coding change: c.808T>C on transcript NM_000143.4 (MANE Select); coding-DNA position 808, T replaced by C.
Protein change: p.Tyr270His; replaces tyrosine 270 with histidine.
Molecular consequence: missense variant.
Genome position (GRCh38, 1-based): chr1:241,506,099, A>G on the plus strand (T>C on the coding strand, the complement: FH is on the minus strand). VCF-style: chr1-241506099-A-G. GRCh37 (hg19) VCF-style: chr1-241669399-A-G.
Other names: short protein forms Y270H.
Identifiers: ClinVar variation 2002132 (VCV002002132.4), dbSNP rs1447662403, ClinGen allele CA345438979.